The following is an entry in ClinVar:

NC_000016.9:g.(?_89845189)_(89851392_?)dup

Gene: FANCA (FA complementation group A; minus strand). Cytogenetic location: 16q24.3.
Variant type: Duplication.
Identifiers: ClinVar variation 3243288 (VCV003243288.1).

ClinVar aggregate classification (germline): Likely pathogenic (1 of 4 stars; one submission).

Conditions:
Fanconi anemia (FA). Also called: Fanconi's anemia. Identifiers: Orphanet 84, MedGen C0015625, MeSH D005199, MONDO:0019391.

Submission:

Labcorp Genetics (formerly Invitae), Labcorp
Classification: Likely pathogenic for Fanconi anemia. Last evaluated: 2023-10-22. Review status: criteria provided, single submitter. Criteria: Invitae Variant Classification Sherloc (09022015). Collection method: clinical testing. Allele origin: unknown.
Comment: This variant results in a copy number gain of the genomic region encompassing exon(s) 15-20 of the FANCA gene. While the exact position of this variant cannot be determined from the data, sub-genic copy number gains are generally in tandem (PMID: 25640679). This variant is predicted to be out-of-frame, and may result in an absent or disrupted protein product. Loss-of-function variants in FANCA are known to be pathogenic (PMID: 19367192). This variant has not been reported in the literature in individuals affected with FANCA-related conditions. In summary, the currently available evidence indicates that the variant is pathogenic, but additional data are needed to prove that conclusively. Therefore, this variant has been classified as Likely Pathogenic.

Literature cited by the submitters: PubMed 25640679; PubMed 19367192.